The following is an entry in ClinVar:

ClinVar aggregate classification (germline): Uncertain significance (1 of 4 stars; one submission).

Submission:

Dasa
Classification: Uncertain significance. Last evaluated: 2025-08-07. Review status: criteria provided, single submitter. Criteria: DASA Assertion Criteria. Collection method: clinical testing. Allele origin: germline.
Comment: NM_001007527.2(LMBRD2):c.823-3T>C is a splice-region variant. This variant is rare in population databases. Computational prediction algorithms are consistent with a benign effect. The currently available literature and clinical evidence are not sufficient to establish a definitive association between this variant and the reported condition. Therefore, this variant is classified as a variant of uncertain significance.

NM_001007527.2(LMBRD2):c.823-3T>C

Gene: LMBRD2 (LMBR1 domain containing 2; minus strand). Cytogenetic location: 5p13.2.
Variant type: single nucleotide variant.
Coding change: c.823-3T>C on transcript NM_001007527.2 (MANE Select); 3 bases into the intron before coding-DNA position 823, T replaced by C.
Molecular consequence: intron variant.
Genome position (GRCh38, 1-based): chr5:36,122,964, A>G on the plus strand (T>C on the coding strand, the complement: LMBRD2 is on the minus strand). VCF-style: chr5-36122964-A-G. GRCh37 (hg19) VCF-style: chr5-36123066-A-G.
Identifiers: ClinVar variation 4881086 (VCV004881086.2).